The following is an entry in ClinVar:

ClinVar aggregate classification (germline): Conflicting classifications of pathogenicity. Review status: criteria provided, conflicting classifications (1 of 4 stars). 2 submissions from 2 submitters: Likely pathogenic (1); Uncertain significance (1). Last evaluated 2022-01-03.

Conditions:
Charcot-Marie-Tooth disease type 4A. Also called: Charcot-Marie-Tooth disease, demyelinating, autosomal recessive, type 4a. Identifiers: Orphanet 99948, MedGen C1859198, MONDO:0008961, OMIM 214400.

Submissions (2):

3billion
Classification: Uncertain significance for Charcot-Marie-Tooth disease type 4A. Last evaluated: 2022-01-03. Review status: criteria provided, single submitter. Criteria: ACMG Guidelines, 2015. Collection method: clinical testing. Allele origin: germline. Affected: yes. Observed: 1 heterozygote.
Comment: The variant not observed in the gnomAD v2.1.1 dataset (PM2_M). Therefore, this variant is classified as uncertain significance according to the recommendation of ACMG/AMP guideline.

Labcorp Genetics (formerly Invitae), Labcorp
Classification: Likely pathogenic for Charcot-Marie-Tooth disease type 4A. Last evaluated: 2021-04-09. Review status: criteria provided, single submitter. Criteria: Invitae Variant Classification Sherloc (09022015). Collection method: clinical testing. Allele origin: germline.
Comment: In summary, the currently available evidence indicates that the variant is pathogenic, but additional data are needed to prove that conclusively. Therefore, this variant has been classified as Likely Pathogenic. Advanced modeling of protein sequence and biophysical properties (such as structural, functional, and spatial information, amino acid conservation, physicochemical variation, residue mobility, and thermodynamic stability) performed at Invitae indicates that this missense variant is expected to disrupt GDAP1 protein function. This sequence change replaces glutamic acid with lysine at codon 65 of the GDAP1 protein (p.Glu65Lys). The glutamic acid residue is highly conserved and there is a small physicochemical difference between glutamic acid and lysine. This variant is not present in population databases (ExAC no frequency). This variant has been observed in individual(s) with neuropathy (Invitae). In at least one individual the data is consistent with the variant being in trans (on the opposite chromosome) from a pathogenic variant. ClinVar contains an entry for this variant (Variation ID: 851263).

NM_018972.4(GDAP1):c.193G>A (p.Glu65Lys)

Gene: GDAP1 (ganglioside induced differentiation associated protein 1; plus strand). Cytogenetic location: 8q21.11.
Variant type: single nucleotide variant.
Coding change: c.193G>A on transcript NM_018972.4 (MANE Select); coding-DNA position 193, G replaced by A.
Protein change: p.Glu65Lys; replaces glutamic acid 65 with lysine.
Molecular consequence: missense variant. On other transcripts: 5 prime UTR variant (1), intron variant (2).
Genome position (GRCh38, 1-based): chr8:74,351,349, G>A. VCF-style: chr8-74351349-G-A. GRCh37 (hg19) VCF-style: chr8-75263584-G-A.
Other names: c.-12G>A (NM_001040875.4); c.193G>A, p.Glu65Lys (NM_001362930.2, NM_001362931.2); c.-18+28G>A (NM_001362929.2); c.-18+771G>A (NM_001362932.2); short protein forms E65K.
Identifiers: ClinVar variation 851263 (VCV000851263.11), dbSNP rs1808862287, ClinGen allele CA371499402.